The following is an entry in ClinVar:

NM_015937.6(PIGT):c.489C>T (p.Ala163=)

Gene: PIGT (phosphatidylinositol glycan anchor biosynthesis class T; plus strand). Cytogenetic location: 20q13.12.
Variant type: single nucleotide variant.
Coding change: c.489C>T on transcript NM_015937.6 (MANE Select); coding-DNA position 489, C replaced by T.
Protein change: p.Ala163=; no amino-acid change (alanine 163 retained).
Molecular consequence: synonymous variant. On other transcripts: non-coding transcript variant (3), intron variant (2).
Genome position (GRCh38, 1-based): chr20:45,418,975, C>T. VCF-style: chr20-45418975-C-T. GRCh37 (hg19) VCF-style: chr20-44047615-C-T.
Other names: c.489C>T, p.Ala163= (NM_001184729.3); c.326-320C>T (NM_001184728.3); c.188-320C>T (NM_001184730.3); c.489C>T (NM_015937.5).
Identifiers: ClinVar variation 3668179 (VCV003668179.4).

ClinVar aggregate classification (germline): Conflicting classifications of pathogenicity. Review status: criteria provided, conflicting classifications (1 of 4 stars). 2 submissions from 2 submitters: Uncertain significance (1); Likely benign (1). Last evaluated 2026-10-07.

Conditions:
Multiple congenital anomalies-hypotonia-seizures syndrome 3 (MCAHS3). Also called: GLYCOSYLPHOSPHATIDYLINOSITOL BIOSYNTHESIS DEFECT 7. Identifiers: Orphanet 369837, MedGen C3809356, MONDO:0014165, OMIM 615398.

gnomAD v4.1: 82 of 1,613,996 alleles (0.0051%); highest among the groups gnomAD compares: African/African-American, 0.11%; no homozygotes.

Submissions (2):

GeneDx
Classification: Uncertain significance. Last evaluated: 2026-10-07. Review status: criteria provided, single submitter. Criteria: GeneDx Variant Classification Process June 2021. Collection method: clinical testing. Allele origin: germline.
Comment: In silico analysis suggests that this variant does not alter splicing; Has not been previously published as pathogenic or benign to our knowledge

Labcorp Genetics (formerly Invitae), Labcorp
Classification: Likely benign for Multiple congenital anomalies-hypotonia-seizures syndrome 3. Last evaluated: 2024-07-31. Review status: criteria provided, single submitter. Criteria: Invitae Variant Classification Sherloc (09022015). Collection method: clinical testing. Allele origin: germline.